The following is an entry in ClinVar:

NM_138387.4(G6PC3):c.739C>T (p.Pro247Ser)

Gene: G6PC3 (glucose-6-phosphatase catalytic subunit 3; plus strand). Cytogenetic location: 17q21.31.
Variant type: single nucleotide variant.
Coding change: c.739C>T on transcript NM_138387.4 (MANE Select); coding-DNA position 739, C replaced by T.
Protein change: p.Pro247Ser; replaces proline 247 with serine.
Molecular consequence: missense variant. On other transcripts: 3 prime UTR variant (1).
Genome position (GRCh38, 1-based): chr17:44,075,741, C>T. VCF-style: chr17-44075741-C-T. GRCh37 (hg19) VCF-style: chr17-42153109-C-T.
Other names: c.394C>T, p.Pro132Ser (NM_001384166.1, NM_001384167.1, NM_001384168.1 and 1 more transcripts); c.*32C>T (NM_001319945.2); short protein forms P132S, P247S.
Identifiers: ClinVar variation 4827625 (VCV004827625.1).
Genomic context (GRCh38, chr17:44,075,741, plus strand): 5'-TCCATCAGCCTAGCCTTCAAGTGGTGTGAGCGGCCTGAGTGGATACACGTGGATAGCCGG[C>T]CCTTTGCCTCCCTGAGCCGTGACTCAGGGGCTGCCCTGGGCCTGGGCATTGCCTTGCACT-3'
Protein context (NP_612396.1, residues 237-257): RPEWIHVDSR[Pro247Ser]FASLSRDSGA

ClinVar aggregate classification (germline): Uncertain significance (1 of 4 stars; one submission).

Conditions:
Inborn genetic diseases. Identifiers: MedGen C0950123, MeSH D030342.

Submission:

Ambry Genetics
Classification: Uncertain significance for Inborn genetic diseases. Last evaluated: 2026-03-09. Review status: criteria provided, single submitter. Criteria: Ambry Variant Classification Scheme 2023. Collection method: clinical testing. Allele origin: germline.
Comment: The p.P247S variant (also known as c.739C>T), located in coding exon 6 of the G6PC3 gene, results from a C to T substitution at nucleotide position 739. The proline at codon 247 is replaced by serine, an amino acid with similar properties. This amino acid position is conserved. In addition, this alteration is predicted to be deleterious by in silico analysis. Based on the available evidence, the clinical significance of this variant remains unclear.